The following is an entry in ClinVar:

ClinVar aggregate classification (germline): Benign (1 of 4 stars; one submission).

Allele frequency attached by ClinVar (database versions not stated): 1000 Genomes Project 30x 0.43020; 1000 Genomes Project 0.43431; TOPMed 0.44150.
gnomAD v4.1: 558,009 of 1,245,102 alleles (45%); highest among the groups gnomAD compares: Admixed American, 54%; 126,226 homozygotes.

Submission:

Unidad de Genómica Garrahan, Hospital de Pediatría Garrahan
Classification: Benign. Last evaluated: 2024-01-24. Review status: criteria provided, single submitter. Criteria: ACMG Guidelines, 2015. Collection method: clinical testing. Allele origin: germline. Affected: no. Observed: 71 variant alleles.
Comment: This variant is classified as Benign based on local population frequency. This variant was detected in 75% of patients studied by a panel of primary immunodeficiencies. Number of patients: 71. Only high quality variants are reported.

NM_017491.5(WDR1):c.-87G>C

Genes: WDR1 (WD repeat domain 1; minus strand), LOC129992246 (ATAC-STARR-seq lymphoblastoid silent region 15278; plus strand). Cytogenetic location: 4p16.1.
Variant type: single nucleotide variant.
Coding change: c.-87G>C on transcript NM_017491.5 (MANE Select); 87 bases upstream of the start codon, G replaced by C.
Molecular consequence: 5 prime UTR variant.
Genome position (GRCh38, 1-based): chr4:10,116,753, C>G on the plus strand (G>C on the coding strand, the complement: WDR1 is on the minus strand). VCF-style: chr4-10116753-C-G. GRCh37 (hg19) VCF-style: chr4-10118377-C-G.
Other names: c.-87G>C (NM_005112.5).
Identifiers: ClinVar variation 2687995 (VCV002687995.2), dbSNP rs11557743, ClinGen allele CA11637747.
Genomic context (GRCh38, chr4:10,116,753, plus strand): 5'-CTCGCCGAGAGCCTCCGGGGCCGGCCCGCGCTGCGAATTACACCTCGCCGAGGCCGAGCC[C>G]GGGGACTGGAGCCGGAAGGCGGCACCGGGCGTGCCGGGAGTGGAGTGGGCGGTCCGAGGC-3'